The following is an entry in ClinVar:

ClinVar aggregate classification (germline): Likely pathogenic (1 of 4 stars; one submission).

Submission:

Genetic Services Laboratory, University of Chicago
Classification: Likely pathogenic. Last evaluated: 2024-01-22. Review status: criteria provided, single submitter. Criteria: ACMG Guidelines, 2015. Collection method: clinical testing. Allele origin: germline. Affected: yes.
Comment: DNA sequence analysis of the PKD2 gene demonstrated a single base pair deletion in exon 8, c.1883del. This sequence change results in an amino acid frameshift and creates a premature stop codon 46 amino acids downstream of the change, p.Thr628Ilefs*46. This sequence change is predicted to result in an abnormal transcript, which may be degraded, or may lead to the production of a truncated PKD2 protein with potentially abnormal function. The c.1883del sequence change has not been described in population databases such as ExAC and gnomAD. While this sequence change has not previously been described in the literature, other loss of function variants including frameshift deletions in the PKD2 gene have been described in several individuals with PKD2 -related polycystic kidney disease (PMID: 17582161, 22863349, 33639313, 11007674). These collective evidences indicate that this sequence change is likely pathogenic, however functional studies have not been performed to prove this conclusively

NM_000297.4(PKD2):c.1883del (p.Thr628fs)

Gene: PKD2 (polycystin 2, transient receptor potential cation channel; plus strand). Cytogenetic location: 4q22.1.
Variant type: Deletion.
Coding change: c.1883del on transcript NM_000297.4 (MANE Select); coding-DNA position 1883, one base deleted (C; older notation c.1883delC).
Protein change: p.Thr628fs; shifts the reading frame from threonine 628.
Molecular consequence: frameshift variant. On other transcripts: non-coding transcript variant (1).
Genome position (GRCh38, 1-based): chr4:88,056,252, C deleted. VCF-style (leftmost placement, unchanged base first): chr4-88056251-AC-A. GRCh37 (hg19) VCF-style: chr4-88977403-AC-A.
Other names: c.1658del, p.Thr553fs (NM_001440544.1); short protein forms T553fs, T628fs.
Identifiers: ClinVar variation 4082496 (VCV004082496.2).